The following is an entry in ClinVar:

NM_001558.4(IL10RA):c.574C>T (p.Leu192Phe)

Gene: IL10RA (interleukin 10 receptor subunit alpha; plus strand). Cytogenetic location: 11q23.3.
Variant type: single nucleotide variant.
Coding change: c.574C>T on transcript NM_001558.4 (MANE Select); coding-DNA position 574, C replaced by T.
Protein change: p.Leu192Phe; replaces leucine 192 with phenylalanine.
Molecular consequence: missense variant. On other transcripts: non-coding transcript variant (1).
Genome position (GRCh38, 1-based): chr11:117,994,035, C>T. VCF-style: chr11-117994035-C-T. GRCh37 (hg19) VCF-style: chr11-117864750-C-T.
Other names: short protein forms L192F.
Identifiers: ClinVar variation 570265 (VCV000570265.7), dbSNP rs148964568, ClinGen allele CA6298989.

ClinVar aggregate classification (germline): Uncertain significance. Review status: criteria provided, multiple submitters, no conflicts (2 of 4 stars). 2 submissions from 2 submitters: Uncertain significance (2). Last evaluated 2024-05-22.

Conditions:
Inflammatory bowel disease 28. Also called: Inflammatory bowel disease 28, early onset, autosomal recessive. Identifiers: Orphanet 238569, MedGen C2751053, MONDO:0013153, OMIM 613148.

Allele frequency attached by ClinVar (database versions not stated): ExAC 0.00004; gnomAD exomes 0.00007 and 0.00023; ESP Exome Variant Server 0.00008; gnomAD 0.00013; TOPMed 0.00014.

Submissions (2):

Blueprint Genetics
Classification: Uncertain significance. Last evaluated: 2024-05-22. Review status: criteria provided, single submitter. Criteria: ACMG Guidelines, 2015. Collection method: clinical testing. Allele origin: germline.

Labcorp Genetics (formerly Invitae), Labcorp
Classification: Uncertain significance for Inflammatory bowel disease 28. Last evaluated: 2022-07-07. Review status: criteria provided, single submitter. Criteria: Invitae Variant Classification Sherloc (09022015). Collection method: clinical testing. Allele origin: germline.
Comment: This sequence change replaces leucine, which is neutral and non-polar, with phenylalanine, which is neutral and non-polar, at codon 192 of the IL10RA protein (p.Leu192Phe). This variant is present in population databases (rs148964568, gnomAD 0.01%). This variant has not been reported in the literature in individuals affected with IL10RA-related conditions. ClinVar contains an entry for this variant (Variation ID: 570265). Algorithms developed to predict the effect of missense changes on protein structure and function output the following: SIFT: "Deleterious"; PolyPhen-2: "Benign"; Align-GVGD: "Class C0". The phenylalanine amino acid residue is found in multiple mammalian species, which suggests that this missense change does not adversely affect protein function. In summary, the available evidence is currently insufficient to determine the role of this variant in disease. Therefore, it has been classified as a Variant of Uncertain Significance.